The following is an entry in ClinVar:

NM_000536.4(RAG2):c.782C>T (p.Ala261Val)

Gene: RAG2 (recombination activating 2; minus strand). Cytogenetic location: 11p12.
Variant type: single nucleotide variant.
Coding change: c.782C>T on transcript NM_000536.4 (MANE Select); coding-DNA position 782, C replaced by T.
Protein change: p.Ala261Val; replaces alanine 261 with valine.
Molecular consequence: missense variant.
Genome position (GRCh38, 1-based): chr11:36,593,387, G>A on the plus strand (C>T on the coding strand, the complement: RAG2 is on the minus strand). VCF-style: chr11-36593387-G-A. GRCh37 (hg19) VCF-style: chr11-36614937-G-A.
Other names: RAG2; c.782C>T, p.Ala261Val (NM_001243785.2, NM_001243786.2); short protein forms A261V.
Identifiers: ClinVar variation 5016471 (VCV005016471.1).
Genomic context (GRCh38, chr11:36,593,387, plus strand): 5'-TTTTCAAGCTGATAGCCACCAACAATAACAAATTCATCATTGTTAGTTTGAGTCAGGATT[G>A]CACTGGAGACAGAGATTCCTCCTGGCAAGACTGTGCAATTCACAGCTGGGCTACCCAGGG-3'
Protein context (NP_000527.2, residues 251-271): VLPGGISVSS[Ala261Val]ILTQTNNDEF

ClinVar aggregate classification (germline): Uncertain significance (1 of 4 stars; one submission).

Conditions:
Severe combined immunodeficiency, autosomal recessive, T cell-negative, B cell-negative, NK cell-positive. Also called: SCID, T CELL-NEGATIVE, B CELL-NEGATIVE, NK CELL-POSITIVE; SCID, AR, T-cell negative, B-cell negative, NK cell-positive; Severe combined immunodeficiency due to complete RAG1/2 deficiency. Identifiers: Orphanet 331206, MedGen C1832322, MONDO:0011086, OMIM 601457.

Submission:

Department of Medical Immunology, Beni Messous University Hospital Center
Classification: Uncertain significance for Severe combined immunodeficiency, autosomal recessive, T cell-negative, B cell-negative, NK cell-positive. Last evaluated: 2024-06-25. Review status: criteria provided, single submitter. Criteria: ACMG Guidelines, 2015. Collection method: clinical testing. Allele origin: germline. Inheritance: Autosomal recessive inheritance. Affected: yes. Observed: 1 variant allele, 1 homozygote.
Comment: RAG2 NM_000536.4 c.782C>T (p.Ala261Val) is a homozygous missense variant in exon 2 falling within the core WD40/kelch-repeat β-propeller domain (residues 1–387) — the six-bladed propeller structure that mediates RAG2's protein–protein interaction with RAG1 within the V(D)J recombinase complex, a region where prior studies have shown mutations impair RAG1–RAG2 interaction and block recombination signal cleavage; it substitutes a small hydrophobic alanine for a similarly small hydrophobic valine (a relatively conservative change, reflected in a moderate Grantham score of 64) at a highly conserved position (PhyloP 6.41), is absent from gnomAD (frequency 0, with the same ancestry-representation caveat as before) and unreported in ClinVar/HGMD, and shows largely concordant in silico support for a damaging effect (CADD 25.2, REVEL 0.722, SIFT "Deleterious" 0.00, PolyPhen-2 "Probably damaging" 0.997, MutationTaster "Disease causing"); this computational and conservation evidence counts only as "supporting" under ACMG/AMP rules, the variant remains classified as a VUS.

Literature cited by the submitters: DOI 10.70962/jhi.20260168.